The following is an entry in ClinVar:

NM_001358921.2(COQ2):c.744T>C (p.Asp248=)

Gene: COQ2 (coenzyme Q2, polyprenyltransferase; minus strand). Cytogenetic location: 4q21.23.
Variant type: single nucleotide variant.
Coding change: c.744T>C on transcript NM_001358921.2 (MANE Select); coding-DNA position 744, T replaced by C.
Protein change: p.Asp248=; no amino-acid change (aspartic acid 248 retained).
Molecular consequence: synonymous variant.
Genome position (GRCh38, 1-based): chr4:83,269,878, A>G on the plus strand (T>C on the coding strand, the complement: COQ2 is on the minus strand). VCF-style: chr4-83269878-A-G. GRCh37 (hg19) VCF-style: chr4-84191031-A-G.
Other names: p.D298D:GAT>GAC; c.894T>C, p.Asp298= (NM_015697.9).
Identifiers: ClinVar variation 128829 (VCV000128829.27), dbSNP rs6535454, ClinGen allele CA288764.

ClinVar aggregate classification (germline): Benign. Review status: criteria provided, multiple submitters, no conflicts (2 of 4 stars). 12 submissions from 12 submitters: Benign (7). 5 of the submissions do not count toward it. Last evaluated 2026-02-04.

Conditions:
Coenzyme Q10 deficiency, primary, 1. Also called: UBIQUINONE DEFICIENCY 1; COENZYME Q DEFICIENCY 1; CoQ DEFICIENCY 1. Identifiers: Orphanet 255249, MedGen C3551954, MONDO:0011829, OMIM 607426.

Allele frequency attached by ClinVar (database versions not stated): gnomAD exomes 0.71578 and 0.73543; ESP Exome Variant Server 0.73685; ExAC 0.73803; TOPMed 0.74383; gnomAD 0.74889 and 0.74903; 1000 Genomes Project 0.77815; 1000 Genomes Project 30x 0.77936.

Submissions (12):

Labcorp Genetics (formerly Invitae), Labcorp
Classification: Benign. Last evaluated: 2026-02-04. Review status: criteria provided, single submitter. Criteria: Invitae Variant Classification Sherloc (09022015). Collection method: clinical testing. Allele origin: germline.

Blueprint Genetics
Classification: Benign. Last evaluated: 2024-11-27. Review status: criteria provided, single submitter. Criteria: ACMG Guidelines, 2015. Collection method: clinical testing. Allele origin: germline.

Unidad de Genómica Garrahan, Hospital de Pediatría Garrahan
Classification: Benign. Last evaluated: 2024-07-15. Review status: criteria provided, single submitter. Criteria: ACMG Guidelines, 2015. Collection method: clinical testing. Allele origin: germline. Affected: no. Observed: 88 variant alleles.
Comment: This variant is classified as Benign based on local population frequency. This variant was detected in 95% of patients studied in a panel designed for Epileptic and Developmental Encephalopathy and Progressive Myoclonus Epilepsy. Number of patients: 88. Only high quality variants are reported.

Genome-Nilou Lab
Classification: Benign for Coenzyme Q10 deficiency, primary, 1. Last evaluated: 2021-07-30. Review status: criteria provided, single submitter. Criteria: ACMG Guidelines, 2015. Collection method: clinical testing. Allele origin: germline. Affected: no.

GeneDx
Classification: Benign. Last evaluated: 2011-07-01. Review status: criteria provided, single submitter. Criteria: GeneDx Variant Classification (06012015). Collection method: clinical testing. Allele origin: germline. Affected: yes.
Comment: This variant is considered likely benign or benign based on one or more of the following criteria: it is a conservative change, it occurs at a poorly conserved position in the protein, it is predicted to be benign by multiple in silico algorithms, and/or has population frequency not consistent with disease.

Breakthrough Genomics
Classification: Benign. Review status: criteria provided, single submitter. Criteria: ACMG Guidelines, 2015. Collection method: not provided. Allele origin: germline. Inheritance: Autosomal recessive inheritance. Affected: yes.

PreventionGenetics, part of Exact Sciences
Classification: Benign. Review status: criteria provided, single submitter. Criteria: ACMG Guidelines, 2015. Collection method: clinical testing. Allele origin: germline.

Mayo Clinic Laboratories, Mayo Clinic
Classification: Benign. Last evaluated: 2016-02-11. Review status: no assertion criteria provided. Collection method: clinical testing. Allele origin: unknown. Not counted in ClinVar's aggregate classification.

Clinical Genetics, Academic Medical Center
Classification: Benign. Review status: no assertion criteria provided. Collection method: clinical testing. Allele origin: germline. Affected: yes. Study: VKGL Data-share Consensus. Not counted in ClinVar's aggregate classification.

Diagnostic Laboratory, Department of Genetics, University Medical Center Groningen
Classification: Benign for Coenzyme Q10 deficiency, primary, 1. Review status: no assertion criteria provided. Collection method: clinical testing. Allele origin: germline. Affected: yes. Study: VKGL Data-share Consensus. Not counted in ClinVar's aggregate classification.

Genetic Services Laboratory, University of Chicago
Classification: Likely benign for AllHighlyPenetrant. Review status: no assertion criteria provided. Collection method: clinical testing. Allele origin: germline. Inheritance: Autosomal recessive inheritance. Not counted in ClinVar's aggregate classification.
Comment: Likely benign based on allele frequency in 1000 Genomes Project or ESP global frequency and its presence in a patient with a rare or unrelated disease phenotype. NOT Sanger confirmed.

Genome Diagnostics Laboratory, Amsterdam University Medical Center
Classification: Benign. Review status: no assertion criteria provided. Collection method: clinical testing. Allele origin: germline. Affected: yes. Study: VKGL Data-share Consensus. Not counted in ClinVar's aggregate classification.